The following is an entry in ClinVar:

NM_003190.5(TAPBP):c.928C>T (p.Pro310Ser)

Gene: TAPBP (TAP binding protein; minus strand). Cytogenetic location: 6p21.32.
Variant type: single nucleotide variant.
Coding change: c.928C>T on transcript NM_003190.5 (MANE Select); coding-DNA position 928, C replaced by T.
Protein change: p.Pro310Ser; replaces proline 310 with serine.
Molecular consequence: missense variant.
Genome position (GRCh38, 1-based): chr6:33,304,579, G>A on the plus strand (C>T on the coding strand, the complement: TAPBP is on the minus strand). VCF-style: chr6-33304579-G-A. GRCh37 (hg19) VCF-style: chr6-33272356-G-A.
Other names: c.928C>T, p.Pro310Ser (NM_172208.3); c.667C>T, p.Pro223Ser (NM_172209.3); short protein forms P223S, P310S.
Identifiers: ClinVar variation 965843 (VCV000965843.10), dbSNP rs750393786, ClinGen allele CA3755761.

ClinVar aggregate classification (germline): Uncertain significance. Review status: criteria provided, multiple submitters, no conflicts (2 of 4 stars). 2 submissions from 2 submitters: Uncertain significance (2). Last evaluated 2025-05-20.

Conditions:
MHC class I deficiency. Identifiers: Orphanet 34592, MedGen C6024714, MONDO:0011476.

Allele frequency attached by ClinVar (database versions not stated): gnomAD 0.00004 and 0.00003; TOPMed 0.00002; gnomAD exomes 0.00004; ExAC 0.00006.
gnomAD v4.1: 38 of 1,603,226 alleles (0.0024%); highest among the groups gnomAD compares: Admixed American, 0.013%; no homozygotes.

Submissions (2):

Labcorp Genetics (formerly Invitae), Labcorp
Classification: Uncertain significance for MHC class I deficiency 1. Last evaluated: 2025-05-20. Review status: criteria provided, single submitter. Criteria: Invitae Variant Classification Sherloc (09022015). Collection method: clinical testing. Allele origin: germline.
Comment: This sequence change replaces proline, which is neutral and non-polar, with serine, which is neutral and polar, at codon 310 of the TAPBP protein (p.Pro310Ser). This variant is present in population databases (rs750393786, gnomAD 0.01%). This variant has not been reported in the literature in individuals affected with TAPBP-related conditions. ClinVar contains an entry for this variant (Variation ID: 965843). An algorithm developed to predict the effect of missense changes on protein structure and function (PolyPhen-2) suggests that this variant is likely to be disruptive. In summary, the available evidence is currently insufficient to determine the role of this variant in disease. Therefore, it has been classified as a Variant of Uncertain Significance.

Ambry Genetics
Classification: Uncertain significance. Last evaluated: 2024-08-11. Review status: criteria provided, single submitter. Criteria: Ambry Variant Classification Scheme 2023. Collection method: clinical testing. Allele origin: germline.